The following is an entry in ClinVar:

ClinVar aggregate classification (germline): Uncertain significance (1 of 4 stars; one submission).

Allele frequency attached by ClinVar (database versions not stated): gnomAD exomes below 0.00001.
gnomAD v4.1: 1 of 1,614,158 alleles (0.000062%); highest among the groups gnomAD compares: Non-Finnish European, 0.000085%; no homozygotes.

Submission:

Labcorp Genetics (formerly Invitae), Labcorp
Classification: Uncertain significance. Last evaluated: 2023-09-30. Review status: criteria provided, single submitter. Criteria: Invitae Variant Classification Sherloc (09022015). Collection method: clinical testing. Allele origin: germline.
Comment: This sequence change replaces aspartic acid, which is acidic and polar, with asparagine, which is neutral and polar, at codon 273 of the RNF213 protein (p.Asp273Asn). This variant is not present in population databases (gnomAD no frequency). This variant has not been reported in the literature in individuals affected with RNF213-related conditions. Advanced modeling of protein sequence and biophysical properties (such as structural, functional, and spatial information, amino acid conservation, physicochemical variation, residue mobility, and thermodynamic stability) performed at Invitae indicates that this missense variant is not expected to disrupt RNF213 protein function. In summary, the available evidence is currently insufficient to determine the role of this variant in disease. Therefore, it has been classified as a Variant of Uncertain Significance.

NM_001256071.3(RNF213):c.817G>A (p.Asp273Asn)

Gene: RNF213 (ring finger protein 213; plus strand). Cytogenetic location: 17q25.3.
Variant type: single nucleotide variant.
Coding change: c.817G>A on transcript NM_001256071.3 (MANE Select); coding-DNA position 817, G replaced by A.
Protein change: p.Asp273Asn; replaces aspartic acid 273 with asparagine.
Molecular consequence: missense variant.
Genome position (GRCh38, 1-based): chr17:80,288,639, G>A. VCF-style: chr17-80288639-G-A. GRCh37 (hg19) VCF-style: chr17-78262438-G-A.
Other names: c.964G>A, p.Asp322Asn (NM_001410195.1, NM_020914.5); c.817G>A, p.Asp273Asn (NM_020954.4); short protein forms D273N, D322N.
Identifiers: ClinVar variation 2961735 (VCV002961735.3), dbSNP rs2511120263, ClinGen allele CA401368377.